The following is an entry in ClinVar:

ClinVar aggregate classification (germline): Uncertain significance (1 of 4 stars; one submission).

Submission:

Labcorp Genetics (formerly Invitae), Labcorp
Classification: Uncertain significance. Last evaluated: 2021-08-27. Review status: criteria provided, single submitter. Criteria: Invitae Variant Classification Sherloc (09022015). Collection method: clinical testing. Allele origin: germline.
Comment: In summary, the available evidence is currently insufficient to determine the role of this variant in disease. Therefore, it has been classified as a Variant of Uncertain Significance. Algorithms developed to predict the effect of missense changes on protein structure and function (SIFT, PolyPhen-2, Align-GVGD) all suggest that this variant is likely to be disruptive. This variant has not been reported in the literature in individuals affected with ZIC1-related conditions. This variant is not present in population databases (ExAC no frequency). This sequence change replaces proline with leucine at codon 331 of the ZIC1 protein (p.Pro331Leu). The proline residue is highly conserved and there is a moderate physicochemical difference between proline and leucine.

NM_003412.4(ZIC1):c.992C>T (p.Pro331Leu)

Gene: ZIC1 (Zic family zinc finger 1; plus strand). Cytogenetic location: 3q24.
Variant type: single nucleotide variant.
Coding change: c.992C>T on transcript NM_003412.4 (MANE Select); coding-DNA position 992, C replaced by T.
Protein change: p.Pro331Leu; replaces proline 331 with leucine.
Molecular consequence: missense variant.
Genome position (GRCh38, 1-based): chr3:147,412,527, C>T. VCF-style: chr3-147412527-C-T. GRCh37 (hg19) VCF-style: chr3-147130314-C-T.
Other names: short protein forms P331L.
Identifiers: ClinVar variation 1442641 (VCV001442641.6), dbSNP rs2107994211, ClinGen allele CA354897972.
Genomic context (GRCh38, chr3:147,412,527, plus strand): 5'-GCCGCGGTATTTTTTTCTAATTAGACCCCTCTCATTCTACTTTGGCACCAGGGGAGAAGC[C>T]CTTCAAGTGCGAGTTTGAGGGCTGTGACCGGCGCTTCGCTAACAGCAGCGACCGCAAGAA-3'
Protein context (NP_003403.2, residues 321-341): IHKRTHTGEK[Pro331Leu]FKCEFEGCDR